The following is an entry in ClinVar:

ClinVar aggregate classification (germline): Uncertain significance (1 of 4 stars; one submission).

Submission:

Ambry Genetics
Classification: Uncertain significance. Last evaluated: 2021-07-08. Review status: criteria provided, single submitter. Criteria: Ambry Variant Classification Scheme 2023. Collection method: clinical testing. Allele origin: germline.
Comment: The p.G1796S variant (also known as c.5386G>A), located in coding exon 41 of the PRKDC gene, results from a G to A substitution at nucleotide position 5386. The glycine at codon 1796 is replaced by serine, an amino acid with similar properties. This amino acid position is conserved. In addition, this alteration is predicted to be tolerated by in silico analysis. Since supporting evidence is limited at this time, the clinical significance of this alteration remains unclear.

NM_006904.7(PRKDC):c.5386G>A (p.Gly1796Ser)

Gene: PRKDC (protein kinase, DNA-activated, catalytic subunit; minus strand). Cytogenetic location: 8q11.21.
Variant type: single nucleotide variant.
Coding change: c.5386G>A on transcript NM_006904.7 (MANE Select); coding-DNA position 5386, G replaced by A.
Protein change: p.Gly1796Ser; replaces glycine 1796 with serine.
Molecular consequence: missense variant.
Genome position (GRCh38, 1-based): chr8:47,864,741, C>T on the plus strand (G>A on the coding strand, the complement: PRKDC is on the minus strand). VCF-style: chr8-47864741-C-T. GRCh37 (hg19) VCF-style: chr8-48777302-C-T.
Other names: c.5386G>A, p.Gly1796Ser (NM_001081640.2); short protein forms G1796S.
Identifiers: ClinVar variation 1747192 (VCV001747192.2), dbSNP rs1442460090, ClinGen allele CA371163681.